The following is an entry in ClinVar:

NM_000291.4(PGK1):c.1204C>G (p.Leu402Val)

Gene: PGK1 (phosphoglycerate kinase 1; plus strand). Cytogenetic location: Xq21.1.
Variant type: single nucleotide variant.
Coding change: c.1204C>G on transcript NM_000291.4 (MANE Select); coding-DNA position 1204, C replaced by G.
Protein change: p.Leu402Val; replaces leucine 402 with valine.
Molecular consequence: missense variant.
Genome position (GRCh38, 1-based): chrX:78,125,416, C>G. VCF-style: chrX-78125416-C-G. GRCh37 (hg19) VCF-style: chrX-77380913-C-G.
Other names: short protein forms L402V.
Identifiers: ClinVar variation 2705618 (VCV002705618.3), dbSNP rs2522506986, ClinGen allele CA413718709.

ClinVar aggregate classification (germline): Uncertain significance (1 of 4 stars; one submission).

Submission:

Labcorp Genetics (formerly Invitae), Labcorp
Classification: Uncertain significance. Last evaluated: 2024-01-04. Review status: criteria provided, single submitter. Criteria: Invitae Variant Classification Sherloc (09022015). Collection method: clinical testing. Allele origin: germline.
Comment: This sequence change replaces leucine, which is neutral and non-polar, with valine, which is neutral and non-polar, at codon 402 of the PGK1 protein (p.Leu402Val). This variant is not present in population databases (gnomAD no frequency). This variant has not been reported in the literature in individuals affected with PGK1-related conditions. Advanced modeling of protein sequence and biophysical properties (such as structural, functional, and spatial information, amino acid conservation, physicochemical variation, residue mobility, and thermodynamic stability) performed at Invitae indicates that this missense variant is expected to disrupt PGK1 protein function with a positive predictive value of 80%. In summary, the available evidence is currently insufficient to determine the role of this variant in disease. Therefore, it has been classified as a Variant of Uncertain Significance.